The following is an entry in ClinVar:

NM_001032.5(RPS29):c.73T>C (p.Ser25Pro)

Gene: RPS29 (ribosomal protein S29; minus strand). Cytogenetic location: 14q21.3.
Variant type: single nucleotide variant.
Coding change: c.73T>C on transcript NM_001032.5 (MANE Select); coding-DNA position 73, T replaced by C.
Protein change: p.Ser25Pro; replaces serine 25 with proline.
Molecular consequence: missense variant.
Genome position (GRCh38, 1-based): chr14:49,586,039, A>G on the plus strand (T>C on the coding strand, the complement: RPS29 is on the minus strand). VCF-style: chr14-49586039-A-G. GRCh37 (hg19) VCF-style: chr14-50052757-A-G.
Other names: c.73T>C, p.Ser25Pro (NM_001030001.4); c.64T>C, p.Ser22Pro (NM_001351375.2); short protein forms S25P, S22P.
Identifiers: ClinVar variation 421606 (VCV000421606.2), dbSNP rs1064795244, ClinGen allele CA16619869.

ClinVar aggregate classification (germline): Likely pathogenic (1 of 4 stars; one submission).

Submission:

GeneDx
Classification: Likely pathogenic. Last evaluated: 2016-06-30. Review status: criteria provided, single submitter. Criteria: GeneDx Variant Classification (06012015). Collection method: clinical testing. Allele origin: germline. Affected: yes.
Comment: The S25P variant in the RPS29 gene has not been reported previously as a pathogenic variant, nor as a benign variant, to our knowledge. The S25P variant was not observed in approximately 6500 individuals of European and African American ancestry in the NHLBI Exome Sequencing Project, indicating it is not a common benign variant in these populations. The S25P variant is a non-conservative amino acid substitution, which is likely to impact secondary protein structure as these residues differ in polarity, charge, size and/or other properties. This substitution occurs at a position that is conserved across species. In silico analysis predicts this variant is probably damaging to the protein structure/function. Therefore, we interpret S25P as a likely pathogenic variant